The following is an entry in ClinVar:

NM_001830.4(CLCN4):c.2186G>A (p.Arg729Gln)

Gene: CLCN4 (Cl-/H+ antiporter 4; plus strand). Cytogenetic location: Xp22.2.
Variant type: single nucleotide variant.
Coding change: c.2186G>A on transcript NM_001830.4 (MANE Select); coding-DNA position 2186, G replaced by A.
Protein change: p.Arg729Gln; replaces arginine 729 with glutamine.
Molecular consequence: missense variant.
Genome position (GRCh38, 1-based): chrX:10,220,871, G>A. VCF-style: chrX-10220871-G-A. GRCh37 (hg19) VCF-style: chrX-10188911-G-A.
Other names: c.1904G>A, p.Arg635Gln (NM_001256944.2); c.2186G>A (NM_001830.3); short protein forms R635Q, R729Q.
Identifiers: ClinVar variation 2729538 (VCV002729538.5), dbSNP rs1458552683, ClinGen allele CA412044975.

ClinVar aggregate classification (germline): Uncertain significance. Review status: criteria provided, multiple submitters, no conflicts (2 of 4 stars). 2 submissions from 2 submitters: Uncertain significance (2). Last evaluated 2025-10-03.

Allele frequency attached by ClinVar (database versions not stated): TOPMed 0.00001.

Submissions (2):

GeneDx
Classification: Uncertain significance. Last evaluated: 2025-10-03. Review status: criteria provided, single submitter. Criteria: GeneDx Variant Classification Process June 2021. Collection method: clinical testing. Allele origin: germline.
Comment: Not observed at significant frequency in large population cohorts (gnomAD); In silico analysis suggests that this missense variant does not alter protein structure/function; Has not been previously published as pathogenic or benign to our knowledge

Labcorp Genetics (formerly Invitae), Labcorp
Classification: Uncertain significance. Last evaluated: 2023-10-31. Review status: criteria provided, single submitter. Criteria: Invitae Variant Classification Sherloc (09022015). Collection method: clinical testing. Allele origin: germline.
Comment: This sequence change replaces arginine, which is basic and polar, with glutamine, which is neutral and polar, at codon 729 of the CLCN4 protein (p.Arg729Gln). This variant is not present in population databases (gnomAD no frequency). This variant has not been reported in the literature in individuals affected with CLCN4-related conditions. Advanced modeling of protein sequence and biophysical properties (such as structural, functional, and spatial information, amino acid conservation, physicochemical variation, residue mobility, and thermodynamic stability) performed at Invitae indicates that this missense variant is not expected to disrupt CLCN4 protein function with a negative predictive value of 80%. In summary, the available evidence is currently insufficient to determine the role of this variant in disease. Therefore, it has been classified as a Variant of Uncertain Significance.